The following is an entry in ClinVar:

NM_006947.4(SRP72):c.1366T>C (p.Phe456Leu)

Gene: SRP72 (signal recognition particle 72; plus strand). Cytogenetic location: 4q12.
Variant type: single nucleotide variant.
Coding change: c.1366T>C on transcript NM_006947.4 (MANE Select); coding-DNA position 1366, T replaced by C.
Protein change: p.Phe456Leu; replaces phenylalanine 456 with leucine.
Molecular consequence: missense variant. On other transcripts: non-coding transcript variant (1).
Genome position (GRCh38, 1-based): chr4:56,490,378, T>C. VCF-style: chr4-56490378-T-C. GRCh37 (hg19) VCF-style: chr4-57356544-T-C.
Other names: c.1183T>C, p.Phe395Leu (NM_001267722.2); c.1366T>C (NM_006947.3); short protein forms F456L, F395L.
Identifiers: ClinVar variation 2852552 (VCV002852552.4), dbSNP rs758736639, ClinGen allele CA357001565.

ClinVar aggregate classification (germline): Uncertain significance. Review status: criteria provided, multiple submitters, no conflicts (2 of 4 stars). 2 submissions from 2 submitters: Uncertain significance (2). Last evaluated 2025-01-05.

gnomAD v4.1: 1 of 1,614,032 alleles (0.000062%); highest among the groups gnomAD compares: South Asian, 0.0011%; no homozygotes.

Submissions (2):

Ambry Genetics
Classification: Uncertain significance. Last evaluated: 2025-01-05. Review status: criteria provided, single submitter. Criteria: Ambry Variant Classification Scheme 2023. Collection method: clinical testing. Allele origin: germline.
Comment: The p.F456L variant (also known as c.1366T>C), located in coding exon 14 of the SRP72 gene, results from a T to C substitution at nucleotide position 1366. The phenylalanine at codon 456 is replaced by leucine, an amino acid with highly similar properties. This amino acid position is conserved. In addition, this alteration is predicted to be tolerated by in silico analysis. Based on the available evidence, the clinical significance of this variant remains unclear.

Labcorp Genetics (formerly Invitae), Labcorp
Classification: Uncertain significance. Last evaluated: 2023-04-07. Review status: criteria provided, single submitter. Criteria: Invitae Variant Classification Sherloc (09022015). Collection method: clinical testing. Allele origin: germline.
Comment: In summary, the available evidence is currently insufficient to determine the role of this variant in disease. Therefore, it has been classified as a Variant of Uncertain Significance. Advanced modeling of protein sequence and biophysical properties (such as structural, functional, and spatial information, amino acid conservation, physicochemical variation, residue mobility, and thermodynamic stability) performed at Invitae indicates that this missense variant is not expected to disrupt SRP72 protein function. This variant has not been reported in the literature in individuals affected with SRP72-related conditions. This variant is not present in population databases (gnomAD no frequency). This sequence change replaces phenylalanine, which is neutral and non-polar, with leucine, which is neutral and non-polar, at codon 456 of the SRP72 protein (p.Phe456Leu).